The following is an entry in ClinVar:

ClinVar aggregate classification (germline): Conflicting classifications of pathogenicity. Review status: criteria provided, conflicting classifications (1 of 4 stars). 3 submissions from 3 submitters: Uncertain significance (2); Likely benign (1). Last evaluated 2026-01-19.

Conditions:
Inborn genetic diseases. Identifiers: MedGen C0950123, MeSH D030342.

Allele frequency attached by ClinVar (database versions not stated): gnomAD 0.00017; TOPMed 0.00020; 1000 Genomes Project 30x 0.00062.
gnomAD v4.1: 46 of 1,460,948 alleles (0.0031%); highest among the groups gnomAD compares: African/African-American, 0.063%; no homozygotes.

Submissions (3):

Labcorp Genetics (formerly Invitae), Labcorp
Classification: Likely benign. Last evaluated: 2026-01-19. Review status: criteria provided, single submitter. Criteria: Invitae Variant Classification Sherloc (09022015). Collection method: clinical testing. Allele origin: germline.

GeneDx
Classification: Uncertain significance. Last evaluated: 2025-04-24. Review status: criteria provided, single submitter. Criteria: GeneDx Variant Classification Process June 2021. Collection method: clinical testing. Allele origin: germline. Affected: yes.
Comment: In silico analysis indicates that this missense variant does not alter protein structure/function; Has not been previously published as pathogenic or benign to our knowledge

Ambry Genetics
Classification: Uncertain significance for Inborn genetic diseases. Last evaluated: 2024-08-06. Review status: criteria provided, single submitter. Criteria: Ambry Variant Classification Scheme 2023. Collection method: clinical testing. Allele origin: germline.

NM_006796.3(AFG3L2):c.99G>T (p.Gln33His)

Gene: AFG3L2 (AFG3 like matrix AAA peptidase subunit 2; minus strand). Cytogenetic location: 18p11.21.
Variant type: single nucleotide variant.
Coding change: c.99G>T on transcript NM_006796.3 (MANE Select); coding-DNA position 99, G replaced by T.
Protein change: p.Gln33His; replaces glutamine 33 with histidine.
Molecular consequence: missense variant.
Genome position (GRCh38, 1-based): chr18:12,376,984, C>A on the plus strand (G>T on the coding strand, the complement: AFG3L2 is on the minus strand). VCF-style: chr18-12376984-C-A. GRCh37 (hg19) VCF-style: chr18-12376983-C-A.
Other names: short protein forms Q33H.
Identifiers: ClinVar variation 2070416 (VCV002070416.6), dbSNP rs978801324, ClinGen allele CA296726387.